The following is an entry in ClinVar:

ClinVar aggregate classification (germline): Uncertain significance (1 of 4 stars; one submission).

Conditions:
D-2-hydroxyglutaric aciduria 1 (D2HGA1). Identifiers: Orphanet 79315, MedGen C3152055, MONDO:0024554, OMIM 600721.

Submission:

Labcorp Genetics (formerly Invitae), Labcorp
Classification: Uncertain significance for D-2-hydroxyglutaric aciduria 1. Last evaluated: 2023-12-21. Review status: criteria provided, single submitter. Criteria: Invitae Variant Classification Sherloc (09022015). Collection method: clinical testing. Allele origin: germline.
Comment: This sequence change replaces arginine, which is basic and polar, with leucine, which is neutral and non-polar, at codon 94 of the D2HGDH protein (p.Arg94Leu). This variant is not present in population databases (gnomAD no frequency). This variant has not been reported in the literature in individuals affected with D2HGDH-related conditions. An algorithm developed to predict the effect of missense changes on protein structure and function (PolyPhen-2) suggests that this variant is likely to be tolerated. In summary, the available evidence is currently insufficient to determine the role of this variant in disease. Therefore, it has been classified as a Variant of Uncertain Significance.

NM_152783.5(D2HGDH):c.281G>T (p.Arg94Leu)

Genes: D2HGDH (D-2-hydroxyglutarate dehydrogenase; plus strand), LOC129936033 (ATAC-STARR-seq lymphoblastoid active region 17430; plus strand). Cytogenetic location: 2q37.3.
Variant type: single nucleotide variant.
Coding change: c.281G>T on transcript NM_152783.5 (MANE Select); coding-DNA position 281, G replaced by T.
Protein change: p.Arg94Leu; replaces arginine 94 with leucine.
Molecular consequence: missense variant. On other transcripts: 5 prime UTR variant (1), non-coding transcript variant (1), intron variant (1).
Genome position (GRCh38, 1-based): chr2:241,735,505, G>T. VCF-style: chr2-241735505-G-T. GRCh37 (hg19) VCF-style: chr2-242674920-G-T.
Other names: c.-264G>T (NM_001352824.2); c.-111+810G>T (NM_001287249.2); short protein forms R94L.
Identifiers: ClinVar variation 2807801 (VCV002807801.3), dbSNP rs797045509, ClinGen allele CA351405236.